The following is an entry in ClinVar:

ClinVar aggregate classification (germline): Uncertain significance (1 of 4 stars; one submission).

Conditions:
Cone-rod dystrophy 6 (CORD6). Also called: Cone dystrophy progressive; RETINAL CONE DYSTROPHY 2. Identifiers: Orphanet 1872, MedGen C1866293, MONDO:0011143, OMIM 601777.
Leber congenital amaurosis 1 (LCA1). Also called: Congenital absence of the rods and cones; Leber's congenital tapetoretinal degeneration; Leber's congenital tapetoretinal dysplasia; AMAUROSIS CONGENITA OF LEBER I; RETINAL BLINDNESS, CONGENITAL. Identifiers: Orphanet 65, MedGen C2931258, MONDO:0008764, OMIM 204000.

Allele frequency attached by ClinVar (database versions not stated): gnomAD exomes below 0.00001.
gnomAD v4.1: 3 of 1,510,390 alleles (0.0002%); highest among the groups gnomAD compares: Non-Finnish European, 0.00026%; no homozygotes.

Submission:

Labcorp Genetics (formerly Invitae), Labcorp
Classification: Uncertain significance for Leber congenital amaurosis 1; Cone-rod dystrophy 6. Last evaluated: 2022-08-07. Review status: criteria provided, single submitter. Criteria: Invitae Variant Classification Sherloc (09022015). Collection method: clinical testing. Allele origin: germline.
Comment: In summary, the available evidence is currently insufficient to determine the role of this variant in disease. Therefore, it has been classified as a Variant of Uncertain Significance. Algorithms developed to predict the effect of missense changes on protein structure and function output the following: SIFT: "Tolerated"; PolyPhen-2: "Benign"; Align-GVGD: "Class C0". The arginine amino acid residue is found in multiple mammalian species, which suggests that this missense change does not adversely affect protein function. This variant has not been reported in the literature in individuals affected with GUCY2D-related conditions. This variant is not present in population databases (gnomAD no frequency). This sequence change replaces proline, which is neutral and non-polar, with arginine, which is basic and polar, at codon 37 of the GUCY2D protein (p.Pro37Arg).

NM_000180.4(GUCY2D):c.110C>G (p.Pro37Arg)

Gene: GUCY2D (guanylate cyclase 2D, retinal; plus strand). Cytogenetic location: 17p13.1.
Variant type: single nucleotide variant.
Coding change: c.110C>G on transcript NM_000180.4 (MANE Select); coding-DNA position 110, C replaced by G.
Protein change: p.Pro37Arg; replaces proline 37 with arginine.
Molecular consequence: missense variant.
Genome position (GRCh38, 1-based): chr17:8,003,157, C>G. VCF-style: chr17-8003157-C-G. GRCh37 (hg19) VCF-style: chr17-7906475-C-G.
Other names: short protein forms P37R.
Identifiers: ClinVar variation 1715583 (VCV001715583.5), dbSNP rs1424853491, ClinGen allele CA397942772.
Genomic context (GRCh38, chr17:8,003,157, plus strand): 5'-GCGGTCCCGCGTGGTGGGCTCCGTCCCTGCCCCGCCTCCCCCGGGCCCTGCCCCGGCTCC[C>G]GCTCCTGCTGCTCCTGCTTCTGCTGCAGCCCCCCGCCCTCTCCGCCGTGTTCACGGTGGG-3'
Protein context (NP_000171.1, residues 27-47): PRLPRALPRL[Pro37Arg]LLLLLLLLQP